The following is an entry in ClinVar:

NM_000540.3(RYR1):c.11723A>T (p.Asn3908Ile)

Gene: RYR1 (ryanodine receptor 1; plus strand). Cytogenetic location: 19q13.2.
Variant type: single nucleotide variant.
Coding change: c.11723A>T on transcript NM_000540.3 (MANE Select); coding-DNA position 11723, A replaced by T.
Protein change: p.Asn3908Ile; replaces asparagine 3908 with isoleucine.
Molecular consequence: missense variant.
Genome position (GRCh38, 1-based): chr19:38,543,380, A>T. VCF-style: chr19-38543380-A-T. GRCh37 (hg19) VCF-style: chr19-39034020-A-T.
Other names: c.11708A>T, p.Asn3903Ile (NM_001042723.2); short protein forms N3903I, N3908I.
Identifiers: ClinVar variation 1210318 (VCV001210318.3), dbSNP rs141803364, ClinGen allele CA405661203.

ClinVar aggregate classification (germline): Uncertain significance (3 of 4 stars; one submission).

Conditions:
Malignant hyperthermia, susceptibility to, 1 (MHS1). Also called: RYR1-Related Malignant Hyperthermia Susceptibility; Anesthesia related hyperthermia; Malignant hyperpyrexia; Fulminating hyperpyrexia; Pharmacogenic myopathy; Malignant hyperthermia suceptibility 1. Identifiers: Orphanet 423, MedGen C2930980, MONDO:0007783, OMIM 145600.

gnomAD v4.1: 1 of 1,614,234 alleles (0.000062%); no homozygotes.

Submission:

ClinGen Malignant Hyperthermia Susceptibility Variant Curation Expert Panel, ClinGen
Classification: Uncertain significance for Malignant hyperthermia, susceptibility to, 1. Last evaluated: 2025-08-01. Review status: reviewed by expert panel. Criteria: ClinGen MHS ACMG Specifications V2. Collection method: curation. Allele origin: germline. Inheritance: Autosomal dominant inheritance.
Comment: This pathogenicity assessment is relevant only for malignant hyperthermia susceptibility (MHS) inherited in an autosomal dominant pattern. Variants in RYR1 can also cause other myopathies inherited in an autosomal dominant pattern or in an autosomal recessive pattern. Some of these disorders may predispose individuals to malignant hyperthermia. RYR1 variants may also contribute to a malignant hyperthermia reaction in combination with other genetic and non-genetic factors and the clinician needs to consider such factors in making management decisions. This sequence variant predicts a substitution of asparagine with isoleucine at codon 3908 of the RYR1 protein, p.(Asn3908Ile). This variant was not present in a large population database (gnomAD) at the time this variant was interpreted. This variant has been reported in an individual with a personal or family history of an MH episode and a positive in vitro contracture test (IVCT) or caffeine halothane contracture test (CHCT) result (if the proband was unavailable for testing, a positive diagnostic test result in a mutation-positive relative was counted), PS4_Supporting (PMID:24433488). No functional studies were identified for this variant. This variant does not reside in a hotspot for pathogenic variants that contribute to MHS. A REVEL score >0.85 (0.949) supports a pathogenic status for this variant, PP3_Moderate. This variant has been classified as a Variant of Unknown Significance. Criteria implemented: PS4_Supporting, PP3_Moderate.